The following is an entry in ClinVar:

NM_177924.5(ASAH1):c.550C>T (p.Pro184Ser)

Gene: ASAH1 (N-acylsphingosine amidohydrolase 1; minus strand). Cytogenetic location: 8p22.
Variant type: single nucleotide variant.
Coding change: c.550C>T on transcript NM_177924.5 (MANE Select); coding-DNA position 550, C replaced by T.
Protein change: p.Pro184Ser; replaces proline 184 with serine.
Molecular consequence: missense variant.
Genome position (GRCh38, 1-based): chr8:18,062,377, G>A on the plus strand (C>T on the coding strand, the complement: ASAH1 is on the minus strand). VCF-style: chr8-18062377-G-A. GRCh37 (hg19) VCF-style: chr8-17919886-G-A.
Other names: c.532C>T, p.Pro178Ser (NM_001127505.3); c.355C>T, p.Pro119Ser (NM_001363743.2); c.598C>T, p.Pro200Ser (NM_004315.6); short protein forms P119S, P178S, P184S, P200S.
Identifiers: ClinVar variation 2104618 (VCV002104618.4), dbSNP rs761518207, ClinGen allele CA4650786.

ClinVar aggregate classification (germline): Uncertain significance (1 of 4 stars; one submission).

gnomAD v4.1: 2 of 1,614,096 alleles (0.00012%); highest among the groups gnomAD compares: East Asian, 0.0022%; no homozygotes.

Submission:

Labcorp Genetics (formerly Invitae), Labcorp
Classification: Uncertain significance. Last evaluated: 2022-02-28. Review status: criteria provided, single submitter. Criteria: Invitae Variant Classification Sherloc (09022015). Collection method: clinical testing. Allele origin: germline.
Comment: Algorithms developed to predict the effect of missense changes on protein structure and function are either unavailable or do not agree on the potential impact of this missense change (SIFT: "Deleterious"; PolyPhen-2: "Possibly Damaging"; Align-GVGD: "Class C0"). This variant has not been reported in the literature in individuals affected with ASAH1-related conditions. This variant is present in population databases (rs761518207, gnomAD 0.0009%). This sequence change replaces proline, which is neutral and non-polar, with serine, which is neutral and polar, at codon 184 of the ASAH1 protein (p.Pro184Ser). In summary, the available evidence is currently insufficient to determine the role of this variant in disease. Therefore, it has been classified as a Variant of Uncertain Significance.